The following is an entry in ClinVar:

GRCh38/hg38 20q13.13-13.2(chr20:49947237-55875406)x3

Genes: ADNP (activity dependent neuroprotector homeobox; minus strand), ADNP-AS1 (ADNP antisense RNA 1; plus strand), ATP9A (ATPase phospholipid transporting 9A (putative); minus strand), BCAS1 (brain enriched myelin associated protein 1; minus strand), BCAS1-AS1 (BCAS1 antisense RNA 1; plus strand) and 197 more. Cytogenetic location: 20q13.13-13.2.
Variant type: copy number gain.
Change: copy number 3 (three copies instead of two) of chr20:49,947,237-55,875,406 (5.93 Mb, GRCh38 coordinates, 1-based), cytogenetic band 20q13.13-13.2.
Identifiers: ClinVar variation 59219 (VCV000059219.1).

ClinVar aggregate classification (germline): Pathogenic (1 of 4 stars; one submission).

Submission:

ISCA site 4
Classification: Pathogenic. Last evaluated: 2011-08-12. Review status: criteria provided, single submitter. Criteria: Kaminsky et al. (Genet Med. 2011). Collection method: clinical testing. Allele origin: de novo. Affected: yes. Observed: 1 variant allele.
Comment: Copy number variation identified through the course of routine clinical cytogenomic testing in postnatal populations. Clinical assertions have been curated as described in Kaminsky et al. 2011.